The following is an entry in ClinVar:

NM_007126.5(VCP):c.1696-34_1716dup

Gene: VCP (valosin containing protein; minus strand). Cytogenetic location: 9p13.3.
Variant type: Duplication.
Coding change: c.1696-34_1716dup on transcript NM_007126.5 (MANE Select); 34 bases into the intron before coding-DNA position 1696 through coding-DNA position 1716, 55 bases duplicated.
Molecular consequence: splice acceptor variant.
Genome position (GRCh38, 1-based): chr9:35,059,781-35,059,835, 55 bases duplicated. GRCh37 (hg19): chr9:35,059,779-35,059,833.
Other names: c.1561-34_1581dup (NM_001354927.2, NM_001354928.2).
Identifiers: ClinVar variation 1523242 (VCV001523242.6), dbSNP rs2131029563, ClinGen allele CA2573144597.

ClinVar aggregate classification (germline): Uncertain significance (1 of 4 stars; one submission).

Conditions:
Frontotemporal dementia and/or amyotrophic lateral sclerosis 6 (FTDALS6). Also called: VCP-Related Amyotrophic Lateral Sclerosis/Frontotemporal Dementia; VCP-Related Amyotrophic Lateral Sclerosis. Identifiers: Orphanet 275872, Orphanet 803, MedGen C5436279, MONDO:0013501, OMIM 613954.
Inclusion body myopathy with Paget disease of bone and frontotemporal dementia. Also called: Inclusion body myopathy with early-onset Paget disease and frontotemporal dementia. Identifiers: Orphanet 52430, MedGen C1833662, MONDO:0000507.

Submission:

Labcorp Genetics (formerly Invitae), Labcorp
Classification: Uncertain significance for Inclusion body myopathy with Paget disease of bone and frontotemporal dementia; Frontotemporal dementia and/or amyotrophic lateral sclerosis 6. Last evaluated: 2024-09-27. Review status: criteria provided, single submitter. Criteria: Invitae Variant Classification Sherloc (09022015). Collection method: clinical testing. Allele origin: germline.
Comment: This sequence change falls in intron 13 of the VCP gene. It does not directly change the encoded amino acid sequence of the VCP protein. This variant is not present in population databases (gnomAD no frequency). This variant has not been reported in the literature in individuals affected with VCP-related conditions. ClinVar contains an entry for this variant (Variation ID: 1523242). In summary, the available evidence is currently insufficient to determine the role of this variant in disease. Therefore, it has been classified as a Variant of Uncertain Significance.